The following is an entry in ClinVar:

ClinVar aggregate classification (germline): Uncertain significance (1 of 4 stars; one submission).

Conditions:
Long QT syndrome (LQTS). Identifiers: MedGen C0023976, MeSH D008133, MONDO:0002442. Disease mechanism: loss of function. Inheritance: Various modes of inheritance.

Submission:

Labcorp Genetics (formerly Invitae), Labcorp
Classification: Uncertain significance for Long QT syndrome. Last evaluated: 2021-08-28. Review status: criteria provided, single submitter. Criteria: Invitae Variant Classification Sherloc (09022015). Collection method: clinical testing. Allele origin: germline.
Comment: This sequence change replaces arginine with glycine at codon 273 of the KCNH2 protein (p.Arg273Gly). The arginine residue is weakly conserved and there is a moderate physicochemical difference between arginine and glycine. The frequency data for this variant in the population databases is considered unreliable, as metrics indicate insufficient coverage at this position in the ExAC database. This variant has not been reported in the literature in individuals affected with KCNH2-related conditions. Algorithms developed to predict the effect of missense changes on protein structure and function (SIFT, PolyPhen-2, Align-GVGD) all suggest that this variant is likely to be tolerated. In summary, the available evidence is currently insufficient to determine the role of this variant in disease. Therefore, it has been classified as a Variant of Uncertain Significance.

NM_000238.4(KCNH2):c.817C>G (p.Arg273Gly)

Gene: KCNH2 (potassium voltage-gated channel subfamily H member 2; minus strand). Cytogenetic location: 7q36.1.
Variant type: single nucleotide variant.
Coding change: c.817C>G on transcript NM_000238.4 (MANE Select); coding-DNA position 817, C replaced by G.
Protein change: p.Arg273Gly; replaces arginine 273 with glycine.
Molecular consequence: missense variant.
Genome position (GRCh38, 1-based): chr7:150,958,158, G>C on the plus strand (C>G on the coding strand, the complement: KCNH2 is on the minus strand). VCF-style: chr7-150958158-G-C. GRCh37 (hg19) VCF-style: chr7-150655246-G-C.
Other names: c.529C>G, p.Arg177Gly (NM_001406753.1, NM_001406756.1); c.640C>G, p.Arg214Gly (NM_001406755.1); c.517C>G, p.Arg173Gly (NM_001406757.1); c.817C>G, p.Arg273Gly (NM_172056.3); short protein forms R273G, R173G, R177G, R214G.
Identifiers: ClinVar variation 1044178 (VCV001044178.7), dbSNP rs552583527, ClinGen allele CA369862382.